The following is an entry in ClinVar:

ClinVar aggregate classification (germline): Likely pathogenic (1 of 4 stars; one submission).

Submission:

Labcorp Genetics (formerly Invitae), Labcorp
Classification: Likely pathogenic. Last evaluated: 2023-07-19. Review status: criteria provided, single submitter. Criteria: Invitae Variant Classification Sherloc (09022015). Collection method: clinical testing. Allele origin: germline.
Comment: This sequence change affects a donor splice site in intron 2 of the IMPG2 gene. It is expected to disrupt RNA splicing. Variants that disrupt the donor or acceptor splice site typically lead to a loss of protein function (PMID: 16199547), and loss-of-function variants in IMPG2 are known to be pathogenic (PMID: 20673862). This variant is not present in population databases (gnomAD no frequency). This variant has not been reported in the literature in individuals affected with IMPG2-related conditions. Algorithms developed to predict the effect of sequence changes on RNA splicing suggest that this variant may disrupt the consensus splice site. In summary, the currently available evidence indicates that the variant is pathogenic, but additional data are needed to prove that conclusively. Therefore, this variant has been classified as Likely Pathogenic.

Literature cited by the submitters: PubMed 16199547; PubMed 20673862.

NM_016247.4(IMPG2):c.334+2T>C

Gene: IMPG2 (interphotoreceptor matrix proteoglycan 2; minus strand). Cytogenetic location: 3q12.3.
Variant type: single nucleotide variant.
Coding change: c.334+2T>C on transcript NM_016247.4 (MANE Select); the canonical splice donor site of the intron after coding-DNA position 334, T replaced by C.
Molecular consequence: splice donor variant.
Genome position (GRCh38, 1-based): chr3:101,319,582, A>G on the plus strand (T>C on the coding strand, the complement: IMPG2 is on the minus strand). VCF-style: chr3-101319582-A-G. GRCh37 (hg19) VCF-style: chr3-101038426-A-G.
Identifiers: ClinVar variation 2740736 (VCV002740736.3), dbSNP rs2509062269, ClinGen allele CA353857188.